The following is an entry in ClinVar:

NM_000321.3(RB1):c.212G>A (p.Arg71Lys)

Gene: RB1 (RB transcriptional corepressor 1; plus strand). Cytogenetic location: 13q14.2.
Variant type: single nucleotide variant.
Coding change: c.212G>A on transcript NM_000321.3 (MANE Select); coding-DNA position 212, G replaced by A.
Protein change: p.Arg71Lys; replaces arginine 71 with lysine.
Molecular consequence: missense variant.
Genome position (GRCh38, 1-based): chr13:48,307,354, G>A. VCF-style: chr13-48307354-G-A. GRCh37 (hg19) VCF-style: chr13-48881490-G-A.
Other names: c.212G>A, p.Arg71Lys (NM_001407165.1, NM_001407166.1, NM_001407167.1); short protein forms R71K.
Identifiers: ClinVar variation 4741735 (VCV004741735.2).

ClinVar aggregate classification (germline): Uncertain significance. Review status: criteria provided, multiple submitters, no conflicts (2 of 4 stars). 2 submissions from 2 submitters: Uncertain significance (2). Last evaluated 2026-02-24.

Conditions:
Retinoblastoma (RB1). Also called: RETINOBLASTOMA, SOMATIC. Identifiers: Orphanet 790, MedGen C0035335, MeSH D012175, MONDO:0008380, OMIM 180200, HP:0009919. Disease mechanism: loss of function. Inheritance: Both sporadic and heritable forms are tested..
Hereditary cancer-predisposing syndrome. Also called: Neoplastic Syndromes, Hereditary; Hereditary neoplastic syndrome; Tumor predisposition; Hereditary Cancer Syndrome. Identifiers: Orphanet 140162, MedGen C0027672, MeSH D009386, MONDO:0015356.

Submissions (2):

Ambry Genetics
Classification: Uncertain significance for Hereditary cancer-predisposing syndrome. Last evaluated: 2026-02-24. Review status: criteria provided, single submitter. Criteria: Ambry Variant Classification Scheme 2023. Collection method: clinical testing. Allele origin: germline.
Comment: The p.R71K variant (also known as c.212G>A), located in coding exon 2 of the RB1 gene, results from a G to A substitution at nucleotide position 212. The arginine at codon 71 is replaced by lysine, an amino acid with highly similar properties. This amino acid position is conserved. In addition, the in silico prediction for this alteration is inconclusive. Based on the available evidence, the clinical significance of this variant remains unclear.

Labcorp Genetics (formerly Invitae), Labcorp
Classification: Uncertain significance for Retinoblastoma. Last evaluated: 2025-12-23. Review status: criteria provided, single submitter. Criteria: Invitae Variant Classification Sherloc (09022015). Collection method: clinical testing. Allele origin: germline.
Comment: This sequence change replaces arginine, which is basic and polar, with lysine, which is basic and polar, at codon 71 of the RB1 protein (p.Arg71Lys). This variant is not present in population databases (gnomAD no frequency). This variant has not been reported in the literature in individuals affected with RB1-related conditions. Invitae Evidence Modeling of protein sequence and biophysical properties (such as structural, functional, and spatial information, amino acid conservation, physicochemical variation, residue mobility, and thermodynamic stability) indicates that this missense variant is not expected to disrupt RB1 protein function with a negative predictive value of 80%. In summary, the available evidence is currently insufficient to determine the role of this variant in disease. Therefore, it has been classified as a Variant of Uncertain Significance.